The following is an entry in ClinVar:

ClinVar aggregate classification (germline): Uncertain significance (1 of 4 stars; one submission).

Conditions:
Mitochondrial trifunctional protein deficiency. Identifiers: Orphanet 746, MedGen C1969443, MONDO:0012172.
Long chain 3-hydroxyacyl-CoA dehydrogenase deficiency. Also called: Deficiency of long-chain 3-hydroxyacyl-coenzyme A dehydrogenase; LCHAD Deficiency. Identifiers: Orphanet 5, MedGen C3711645, MONDO:0012173, OMIM 609016.

Submission:

Labcorp Genetics (formerly Invitae), Labcorp
Classification: Uncertain significance for Mitochondrial trifunctional protein deficiency; Long chain 3-hydroxyacyl-CoA dehydrogenase deficiency. Last evaluated: 2022-07-18. Review status: criteria provided, single submitter. Criteria: Invitae Variant Classification Sherloc (09022015). Collection method: clinical testing. Allele origin: germline.
Comment: This sequence change replaces threonine, which is neutral and polar, with isoleucine, which is neutral and non-polar, at codon 696 of the HADHA protein (p.Thr696Ile). This variant is not present in population databases (gnomAD no frequency). This variant has not been reported in the literature in individuals affected with HADHA-related conditions. ClinVar contains an entry for this variant (Variation ID: 1444123). Advanced modeling of protein sequence and biophysical properties (such as structural, functional, and spatial information, amino acid conservation, physicochemical variation, residue mobility, and thermodynamic stability) performed at Invitae indicates that this missense variant is not expected to disrupt HADHA protein function. In summary, the available evidence is currently insufficient to determine the role of this variant in disease. Therefore, it has been classified as a Variant of Uncertain Significance.

NM_000182.5(HADHA):c.2087C>T (p.Thr696Ile)

Genes: GAREM2 (GRB2 associated regulator of MAPK1 subtype 2; plus strand), HADHA (hydroxyacyl-CoA dehydrogenase trifunctional multienzyme complex subunit alpha; minus strand). Cytogenetic location: 2p23.3.
Variant type: single nucleotide variant.
Coding change: c.2087C>T on transcript NM_000182.5 (MANE Select); coding-DNA position 2087, C replaced by T.
Protein change: p.Thr696Ile; replaces threonine 696 with isoleucine.
Molecular consequence: missense variant.
Genome position (GRCh38, 1-based): chr2:26,191,542, G>A on the plus strand (C>T on the coding strand, the complement: HADHA is on the minus strand). VCF-style: chr2-26191542-G-A. GRCh37 (hg19) VCF-style: chr2-26414411-G-A.
Other names: short protein forms T696I.
Identifiers: ClinVar variation 1444123 (VCV001444123.3), dbSNP rs2147749338, ClinGen allele CA346112900.